The following is an entry in ClinVar:

NM_001001563.5(TIMM50):c.1034G>A (p.Arg345His)

Gene: TIMM50 (translocase of inner mitochondrial membrane 50; plus strand). Cytogenetic location: 19q13.2.
Variant type: single nucleotide variant.
Coding change: c.1034G>A on transcript NM_001001563.5 (MANE Select); coding-DNA position 1034, G replaced by A.
Protein change: p.Arg345His; replaces arginine 345 with histidine.
Molecular consequence: missense variant.
Genome position (GRCh38, 1-based): chr19:39,489,792, G>A. VCF-style: chr19-39489792-G-A. GRCh37 (hg19) VCF-style: chr19-39980432-G-A.
Other names: c.695G>A, p.Arg232His (NM_001329559.2); short protein forms R345H, R232H.
Identifiers: ClinVar variation 2066080 (VCV002066080.2), dbSNP rs369195443, ClinGen allele CA9432058.

ClinVar aggregate classification (germline): Uncertain significance (1 of 4 stars; one submission).

Allele frequency attached by ClinVar (database versions not stated): ExAC 0.00001; TOPMed 0.00001; ESP Exome Variant Server 0.00008.
gnomAD v4.1: 4 of 1,610,420 alleles (0.00025%); highest among the groups gnomAD compares: East Asian, 0.0022%; no homozygotes.

Submission:

Labcorp Genetics (formerly Invitae), Labcorp
Classification: Uncertain significance. Last evaluated: 2022-05-21. Review status: criteria provided, single submitter. Criteria: Invitae Variant Classification Sherloc (09022015). Collection method: clinical testing. Allele origin: germline.
Comment: In summary, the available evidence is currently insufficient to determine the role of this variant in disease. Therefore, it has been classified as a Variant of Uncertain Significance. Algorithms developed to predict the effect of missense changes on protein structure and function are either unavailable or do not agree on the potential impact of this missense change (SIFT: "Not Available"; PolyPhen-2: "Probably Damaging"; Align-GVGD: "Not Available"). This variant has not been reported in the literature in individuals affected with TIMM50-related conditions. The frequency data for this variant in the population databases is considered unreliable, as metrics indicate poor data quality at this position in the gnomAD database. This sequence change replaces arginine, which is basic and polar, with histidine, which is basic and polar, at codon 448 of the TIMM50 protein (p.Arg448His).